The following is an entry in ClinVar:

NM_017882.3(CLN6):c.167G>A (p.Trp56Ter)

Gene: CLN6 (CLN6 transmembrane ER protein; minus strand). Cytogenetic location: 15q23.
Variant type: single nucleotide variant.
Coding change: c.167G>A on transcript NM_017882.3 (MANE Select); coding-DNA position 167, G replaced by A.
Protein change: p.Trp56Ter; replaces tryptophan 56 with a stop codon.
Molecular consequence: nonsense.
Genome position (GRCh38, 1-based): chr15:68,218,567, C>T on the plus strand (G>A on the coding strand, the complement: CLN6 is on the minus strand). VCF-style: chr15-68218567-C-T. GRCh37 (hg19) VCF-style: chr15-68510905-C-T.
Other names: short protein forms W56*.
Identifiers: ClinVar variation 379312 (VCV000379312.3), dbSNP rs1057520571, ClinGen allele CA16607854.

ClinVar aggregate classification (germline): Pathogenic/Likely pathogenic. Review status: criteria provided, multiple submitters, no conflicts (2 of 4 stars). 2 submissions from 2 submitters: Pathogenic (1); Likely pathogenic (1). Last evaluated 2024-05-08.

Conditions:
Neuronal ceroid lipofuscinosis. Also called: Neuronal Ceroid Lipofuscinoses. Identifiers: Orphanet 216, Orphanet 79263, MedGen C0027877, MONDO:0016295. Disease mechanism: loss of function.

Submissions (2):

Myriad Genetics, Inc.
Classification: Pathogenic for Neuronal ceroid lipofuscinosis. Last evaluated: 2024-05-08. Review status: criteria provided, single submitter. Criteria: Myriad Autosomal Dominant, Autosomal Recessive and X-Linked Classification Criteria (2023). Collection method: clinical testing. Allele origin: unknown.
Comment: NM_017882.2(CLN6):c.167G>A(W56*) is expected to be pathogenic in the context of neuronal ceroid lipofuscinosis, CLN6-related. This variant is predicted to lead to an abnormal or absent protein product due to the creation of a premature termination codon in CLN6, a gene where loss-of-function variants are known to be pathogenic. Please note: this variant was assessed in the context of healthy population screening.

GeneDx
Classification: Likely pathogenic. Last evaluated: 2017-03-22. Review status: criteria provided, single submitter. Criteria: GeneDx Variant Classification (06012015). Collection method: clinical testing. Allele origin: germline. Affected: yes.
Comment: The W56X variant in the CLN6 gene has not been reported previously as a pathogenic variant nor as a benign variant, to our knowledge. This variant is predicted to cause loss of normal protein function either through protein truncation or nonsense-mediated mRNA decay. The W56X variant is not observed in large population cohorts (Lek et al., 2016; 1000 Genomes Consortium et al., 2015; Exome Variant Server). The W56X variant is a strong candidate for a pathogenic variant, however the possibility it may be a rare benign variant cannot be excluded.